The following is an entry in ClinVar:

NM_000117.3(EMD):c.667G>A (p.Val223Ile)

Gene: EMD (emerin; plus strand). Cytogenetic location: Xq28.
Variant type: single nucleotide variant.
Coding change: c.667G>A on transcript NM_000117.3 (MANE Select); coding-DNA position 667, G replaced by A.
Protein change: p.Val223Ile; replaces valine 223 with isoleucine.
Molecular consequence: missense variant.
Genome position (GRCh38, 1-based): chrX:154,381,099, G>A. VCF-style: chrX-154381099-G-A. GRCh37 (hg19) VCF-style: chrX-153609459-G-A.
Other names: short protein forms V223I.
Identifiers: ClinVar variation 3015662 (VCV003015662.3), dbSNP rs2522790663, ClinGen allele CA415259166.

ClinVar aggregate classification (germline): Uncertain significance (1 of 4 stars; one submission).

Conditions:
X-linked Emery-Dreifuss muscular dystrophy. Also called: Muscular dystrophy, tardive Emery-Dreifuss type, with contractures. Identifiers: Orphanet 261, Orphanet 98863, MedGen C0751337, MONDO:0010680.

Submission:

Labcorp Genetics (formerly Invitae), Labcorp
Classification: Uncertain significance for X-linked Emery-Dreifuss muscular dystrophy. Last evaluated: 2025-02-20. Review status: criteria provided, single submitter. Criteria: Invitae Variant Classification Sherloc (09022015). Collection method: clinical testing. Allele origin: germline.
Comment: This sequence change replaces valine, which is neutral and non-polar, with isoleucine, which is neutral and non-polar, at codon 223 of the EMD protein (p.Val223Ile). This variant is not present in population databases (gnomAD no frequency). This variant has not been reported in the literature in individuals affected with EMD-related conditions. ClinVar contains an entry for this variant (Variation ID: 3015662). Invitae Evidence Modeling of protein sequence and biophysical properties (such as structural, functional, and spatial information, amino acid conservation, physicochemical variation, residue mobility, and thermodynamic stability) indicates that this missense variant is not expected to disrupt EMD protein function with a negative predictive value of 80%. In summary, the available evidence is currently insufficient to determine the role of this variant in disease. Therefore, it has been classified as a Variant of Uncertain Significance.